The following is an entry in ClinVar:

ClinVar aggregate classification (germline): Uncertain significance (1 of 4 stars; one submission).

Allele frequency attached by ClinVar (database versions not stated): gnomAD exomes below 0.00001.
gnomAD v4.1: 1 of 1,537,732 alleles (0.000065%); highest among the groups gnomAD compares: East Asian, 0.0023%; no homozygotes.

Submission:

Labcorp Genetics (formerly Invitae), Labcorp
Classification: Uncertain significance. Last evaluated: 2025-12-30. Review status: criteria provided, single submitter. Criteria: Invitae Variant Classification Sherloc (09022015). Collection method: clinical testing. Allele origin: germline.
Comment: This sequence change falls in intron 8 of the DSG1 gene. It does not directly change the encoded amino acid sequence of the DSG1 protein. It affects a nucleotide within the consensus splice site. This variant is not present in population databases (gnomAD no frequency). This variant has not been reported in the literature in individuals affected with DSG1-related conditions. ClinVar contains an entry for this variant (Variation ID: 2880924). Variants that disrupt the consensus splice site are a relatively common cause of aberrant splicing (PMID: 17576681, 9536098). Algorithms developed to predict the effect of sequence changes on RNA splicing suggest that this variant is not likely to affect RNA splicing. In summary, the available evidence is currently insufficient to determine the role of this variant in disease. Therefore, it has been classified as a Variant of Uncertain Significance.

Literature cited by the submitters: PubMed 17576681; PubMed 9536098.

NM_001942.4(DSG1):c.1005+6G>T

Gene: DSG1 (desmoglein 1; plus strand). Cytogenetic location: 18q12.1.
Variant type: single nucleotide variant.
Coding change: c.1005+6G>T on transcript NM_001942.4 (MANE Select); 6 bases into the intron after coding-DNA position 1005, G replaced by T.
Molecular consequence: intron variant.
Genome position (GRCh38, 1-based): chr18:31,334,208, G>T. VCF-style: chr18-31334208-G-T. GRCh37 (hg19) VCF-style: chr18-28914171-G-T.
Identifiers: ClinVar variation 2880924 (VCV002880924.3), dbSNP rs1048007886, ClinGen allele CA297694418.